The following is an entry in ClinVar:

ClinVar aggregate classification (germline): Pathogenic/Likely pathogenic. Review status: criteria provided, multiple submitters, no conflicts (2 of 4 stars). 2 submissions from 2 submitters: Pathogenic (1); Likely pathogenic (1). Last evaluated 2025-02-06.

Conditions:
Early-infantile DEE. Also called: Early infantile epileptic encephalopathy with suppression bursts; Early infantile epileptic encephalopathy; Ohtahara syndrome. Identifiers: Orphanet 1934, MedGen C0393706, MONDO:0800491.
SCN1A-related disorder. Also called: SCN1A-related conditions; SCN1A-related condition; SCN1A-related disorders.

Submissions (2):

PreventionGenetics, part of Exact Sciences
Classification: Likely pathogenic for SCN1A-related condition. Last evaluated: 2025-02-06. Review status: criteria provided, single submitter. Criteria: ACMG Guidelines, 2015. Collection method: clinical testing. Allele origin: germline.
Comment: The SCN1A c.1879dupA variant is predicted to result in a frameshift and premature protein termination (p.Arg627Lysfs*49). To our knowledge, this variant has not been reported in the literature or in a large population database (gnomAD), indicating it is rare. Frameshift variants in SCN1A are expected to be pathogenic. This variant is interpreted as likely pathogenic.

Labcorp Genetics (formerly Invitae), Labcorp
Classification: Pathogenic for Early-infantile DEE. Last evaluated: 2019-05-23. Review status: criteria provided, single submitter. Criteria: Invitae Variant Classification Sherloc (09022015). Collection method: clinical testing. Allele origin: germline.
Comment: For these reasons, this variant has been classified as Pathogenic. Loss-of-function variants in SCN1A are known to be pathogenic (PMID: 17347258, 18930999). This sequence change creates a premature translational stop signal (p.Arg627Lysfs*49) in the SCN1A gene. It is expected to result in an absent or disrupted protein product. This variant is not present in population databases (ExAC no frequency). This variant has not been reported in the literature in individuals with SCN1A-related conditions.

Literature cited by the submitters: PubMed 17347258 (cited by Labcorp Genetics (formerly Invitae), Labcorp); PubMed 18930999 (cited by Labcorp Genetics (formerly Invitae), Labcorp).

NM_001165963.4(SCN1A):c.1879dup (p.Arg627fs)

Gene: SCN1A (sodium voltage-gated channel alpha subunit 1; minus strand). Cytogenetic location: 2q24.3.
Variant type: Duplication.
Coding change: c.1879dup on transcript NM_001165963.4 (MANE Select); coding-DNA position 1879, one base duplicated (A; older notation c.1879dupA).
Protein change: p.Arg627fs; shifts the reading frame from arginine 627.
Molecular consequence: frameshift variant. On other transcripts: 5 prime UTR variant (1), non-coding transcript variant (1).
Genome position (GRCh38, 1-based): chr2:166,043,833, T duplicated on the plus strand (A on the coding strand, the reverse complement: SCN1A is on the minus strand). VCF-style (leftmost placement, unchanged base first): chr2-166043832-C-CT. GRCh37 (hg19) VCF-style: chr2-166900342-C-CT.
Other names: c.1879dupA (NM_001202435.1); c.1879dup, p.Arg627fs (NM_001165964.3, NM_001202435.3, NM_001353948.2 and 7 more transcripts); c.1876dup, p.Arg626fs (NM_001353954.2, NM_001353955.2, NM_001353960.2); c.-547dup (NM_001353961.2); short protein forms R627fs, R626fs.
Identifiers: ClinVar variation 947617 (VCV000947617.10), dbSNP rs1697441834, ClinGen allele CA1139655646.